The following is an entry in ClinVar:

ClinVar aggregate classification (germline): Uncertain significance (1 of 4 stars; one submission).

Conditions:
GM1 gangliosidosis. Identifiers: Orphanet 354, MedGen C0085131, MONDO:0018149.
Mucopolysaccharidosis, MPS-IV-B (MPS4B). Also called: MORQUIO SYNDROME B; Mucopolysaccharidosis Type IVB; Mucopolysaccharidosis type IV B; Mucopolysaccharidosis Type IVB (Morquio B Disease); Mucopolysaccharidosis type 4B; Mucopolysaccharidosis type IVB (Morquio). Identifiers: Orphanet 309310, Orphanet 582, MedGen C0086652, MONDO:0009660, OMIM 253010.

Allele frequency attached by ClinVar (database versions not stated): gnomAD exomes below 0.00001; TOPMed below 0.00001; gnomAD 0.00001.
gnomAD v4.1: 2 of 1,613,946 alleles (0.00012%); highest among the groups gnomAD compares: Non-Finnish European, 0.00017%; no homozygotes.

Submission:

Labcorp Genetics (formerly Invitae), Labcorp
Classification: Uncertain significance for Mucopolysaccharidosis, MPS-IV-B; GM1 gangliosidosis. Last evaluated: 2021-08-28. Review status: criteria provided, single submitter. Criteria: Invitae Variant Classification Sherloc (09022015). Collection method: clinical testing. Allele origin: germline.
Comment: This sequence change replaces isoleucine with threonine at codon 145 of the GLB1 protein (p.Ile145Thr). The isoleucine residue is highly conserved and there is a moderate physicochemical difference between isoleucine and threonine. This variant is not present in population databases (ExAC no frequency). This variant has not been reported in the literature in individuals affected with GLB1-related conditions. Algorithms developed to predict the effect of missense changes on protein structure and function are either unavailable or do not agree on the potential impact of this missense change (SIFT: "Tolerated"; PolyPhen-2: "Probably Damaging"; Align-GVGD: "Class C0"). In summary, the available evidence is currently insufficient to determine the role of this variant in disease. Therefore, it has been classified as a Variant of Uncertain Significance.

NM_000404.4(GLB1):c.434T>C (p.Ile145Thr)

Gene: GLB1 (galactosidase beta 1; minus strand). Cytogenetic location: 3p22.3.
Variant type: single nucleotide variant.
Coding change: c.434T>C on transcript NM_000404.4 (MANE Select); coding-DNA position 434, T replaced by C.
Protein change: p.Ile145Thr; replaces isoleucine 145 with threonine.
Molecular consequence: missense variant. On other transcripts: intron variant (1).
Genome position (GRCh38, 1-based): chr3:33,068,253, A>G on the plus strand (T>C on the coding strand, the complement: GLB1 is on the minus strand). VCF-style: chr3-33068253-A-G. GRCh37 (hg19) VCF-style: chr3-33109745-A-G.
Other names: c.344T>C, p.Ile115Thr (NM_001079811.3); c.578T>C, p.Ile193Thr (NM_001317040.2); c.434T>C, p.Ile145Thr (NM_001393580.1); c.246-2696T>C (NM_001135602.3); short protein forms I145T, I193T, I115T.
Identifiers: ClinVar variation 659663 (VCV000659663.5), dbSNP rs1416369501, ClinGen allele CA351994106.
Genomic context (GRCh38, chr3:33,068,253, plus strand): 5'-TTTTATAAATCTTCTCAAGACATCTGTAACAACCTACCTGGGTCGGAGGAGCGGAGAAGA[A>G]TAGACTCTTTCTCTAGCAGCCAAGCAGGTAATCCTCCCTAGTTCAGGGAAAACAAGCCAT-3'
Protein context (NP_000395.3, residues 135-155): LPAWLLEKES[Ile145Thr]LLRSSDPDYL